The following is an entry in ClinVar:

ClinVar aggregate classification (germline): Pathogenic/Likely pathogenic. Review status: criteria provided, multiple submitters, no conflicts (2 of 4 stars). 2 submissions from 2 submitters: Pathogenic (1); Likely pathogenic (1). Last evaluated 2025-05-01.

Conditions:
Muscular dystrophy-dystroglycanopathy (congenital with brain and eye anomalies), type A14. Also called: WALKER-WARBURG SYNDROME OR MUSCLE-EYE-BRAIN DISEASE, GMPPB-RELATED; Congenital Muscular Dystrophy-Dystroglycanopathy with Brain and Eye Anomalies Type A 14; Congenital muscular dystrophy-dystroglycanopathy with brain and eye anomalies, type A14; Muscular dystrophy-dystroglycanopathy (congenital with brain and eye anomalies), type a, 14. Identifiers: Orphanet 588, MedGen C3809216, MONDO:0014140, OMIM 615350.
Muscular dystrophy-dystroglycanopathy (congenital with impaired intellectual development), type B, 14. Also called: Muscular dystrophy-dystroglycanopathy (congenital with intellectual disability), type B14; MUSCULAR DYSTROPHY, CONGENITAL, GMPPB-RELATED; Congenital muscular dystrophy-dystroglycanopathy with mental retardation, type B14. Identifiers: MedGen C3809221, MONDO:0014141, OMIM 615351.
Autosomal recessive limb-girdle muscular dystrophy type 2T. Also called: MUSCULAR DYSTROPHY-DYSTROGLYCANOPATHY, LIMB-GIRDLE, GMPPB-RELATED; Limb-girdle muscular dystrophy-dystroglycanopathy, type C14; MUSCULAR DYSTROPHY, LIMB-GIRDLE, TYPE 2T; Muscular dystrophy-dystroglycanopathy (limb-girdle), type c, 14. Identifiers: Orphanet 363623, MedGen C4518000, MONDO:0014142, OMIM 615352.

Submissions (2):

GeneDx
Classification: Likely pathogenic. Last evaluated: 2025-05-01. Review status: criteria provided, single submitter. Criteria: GeneDx Variant Classification Process June 2021. Collection method: clinical testing. Allele origin: germline. Affected: yes.
Comment: Reported with a second GMPPB in a patient with limb-girdle muscular dystrophy in published literature; however, segregation information was not provided (PMID: 35175440); Frameshift variant predicted to result in abnormal protein length as the last 145 amino acid(s) are replaced with 56 different amino acid(s), and other similar variants have been reported in HGMD; Not observed at significant frequency in large population cohorts (gnomAD); This variant is associated with the following publications: (PMID: 35175440)

Labcorp Genetics (formerly Invitae), Labcorp
Classification: Pathogenic for Autosomal recessive limb-girdle muscular dystrophy type 2T; Muscular dystrophy-dystroglycanopathy (congenital with brain and eye anomalies), type A14; Muscular dystrophy-dystroglycanopathy (congenital with impaired intellectual development), type B, 14. Last evaluated: 2019-09-30. Review status: criteria provided, single submitter. Criteria: Invitae Variant Classification Sherloc (09022015). Collection method: clinical testing. Allele origin: germline.
Comment: In this individual the data is consistent with the variant being in trans (on the opposite chromosome) from a pathogenic variant. This variant is not present in population databases (ExAC no frequency). This sequence change results in a premature translational stop signal in the GMPPB gene (p.Arg243Hisfs*57). While this is not anticipated to result in nonsense mediated decay, it is expected to disrupt the last 118 amino acids of the GMPPB protein. This variant disrupts the p.Arg287 amino acid residue in GMPPB. Other variant(s) that disrupt this residue have been determined to be pathogenic (PMID: 23768512, 24780531, 26133662, 27766311, 27874200, 28478914). This suggests that this residue is clinically significant, and that variants that disrupt this residue are likely to be disease-causing. For these reasons, this variant has been classified as Pathogenic.

Literature cited by the submitters: PubMed 23768512 (cited by Labcorp Genetics (formerly Invitae), Labcorp); PubMed 24780531 (cited by Labcorp Genetics (formerly Invitae), Labcorp); PubMed 26133662 (cited by Labcorp Genetics (formerly Invitae), Labcorp); PubMed 27766311 (cited by Labcorp Genetics (formerly Invitae), Labcorp); PubMed 27874200 (cited by Labcorp Genetics (formerly Invitae), Labcorp); PubMed 28478914 (cited by Labcorp Genetics (formerly Invitae), Labcorp).

NM_021971.4(GMPPB):c.728_746delinsACAGA (p.Arg243fs)

Gene: GMPPB (GDP-mannose pyrophosphorylase B; minus strand). Cytogenetic location: 3p21.31.
Variant type: Indel.
Coding change: c.728_746delinsACAGA on transcript NM_021971.4 (MANE Select); coding-DNA positions 728 to 746, GGCTGTGCTCAGGCCCTGG replaced by ACAGA.
Protein change: p.Arg243fs; shifts the reading frame from arginine 243.
Molecular consequence: frameshift variant.
Genome position (GRCh38, 1-based): chr3:49,722,253-49,722,271, CCAGGGCCTGAGCACAGCC replaced by TCTGT on the plus strand (GGCTGTGCTCAGGCCCTGG replaced by ACAGA on the coding strand, the reverse complement: GMPPB is on the minus strand). VCF-style: chr3-49722253-CCAGGGCCTGAGCACAGCC-TCTGT. GRCh37 (hg19) VCF-style: chr3-49759686-CCAGGGCCTGAGCACAGCC-TCTGT.
Other names: c.728_746delinsACAGA (NM_013334.3); c.728_746delinsACAGA, p.Arg243fs (NM_013334.4); short protein forms R243fs.
Identifiers: ClinVar variation 966838 (VCV000966838.7), dbSNP rs2080426663, ClinGen allele CA1139658088.